The following is an entry in ClinVar:

ClinVar aggregate classification (germline): Likely benign. Review status: criteria provided, multiple submitters, no conflicts (2 of 4 stars). 2 submissions from 2 submitters: Likely benign (2). Last evaluated 2026-01-04.

Conditions:
Hereditary diffuse gastric adenocarcinoma (HDGC). Also called: DIFFUSE GASTRIC AND LOBULAR BREAST CANCER SYNDROME. Identifiers: Orphanet 26106, MedGen C1708349, MONDO:0007648, OMIM 137215.

Allele frequency attached by ClinVar (database versions not stated): ExAC 0.00001.
gnomAD v4.1: 1 of 1,570,728 alleles (0.000064%); highest among the groups gnomAD compares: South Asian, 0.0011%; no homozygotes.

Submissions (2):

Labcorp Genetics (formerly Invitae), Labcorp
Classification: Likely benign for Hereditary diffuse gastric adenocarcinoma. Last evaluated: 2026-01-04. Review status: criteria provided, single submitter. Criteria: Invitae Variant Classification Sherloc (09022015). Collection method: clinical testing. Allele origin: germline.

Myriad Genetics, Inc.
Classification: Likely benign for Hereditary diffuse gastric adenocarcinoma. Last evaluated: 2024-09-20. Review status: criteria provided, single submitter. Criteria: Myriad Autosomal Dominant, Autosomal Recessive and X-Linked Classification Criteria (2023). Collection method: clinical testing. Allele origin: unknown.
Comment: This variant is considered likely benign. This variant is intronic and is not expected to impact mRNA splicing.

NM_004360.5(CDH1):c.2164+10G>T

Gene: CDH1 (cadherin 1; plus strand). Cytogenetic location: 16q22.1.
Variant type: single nucleotide variant.
Coding change: c.2164+10G>T on transcript NM_004360.5 (MANE Select); 10 bases into the intron after coding-DNA position 2164, G replaced by T.
Molecular consequence: intron variant.
Genome position (GRCh38, 1-based): chr16:68,823,636, G>T. VCF-style: chr16-68823636-G-T. GRCh37 (hg19) VCF-style: chr16-68857539-G-T.
Other names: c.616+10G>T (NM_001317185.2); c.199+10G>T (NM_001317186.2); c.1981+10G>T (NM_001317184.2).
Identifiers: ClinVar variation 1160980 (VCV001160980.10), dbSNP rs753911528, ClinGen allele CA8130204.